The following is an entry in ClinVar:

ClinVar aggregate classification (germline): Conflicting classifications of pathogenicity. Review status: criteria provided, conflicting classifications (1 of 4 stars). 2 submissions from 2 submitters: Uncertain significance (1); Likely benign (1). Last evaluated 2025-08-06.

Conditions:
Inborn genetic diseases. Identifiers: MedGen C0950123, MeSH D030342.

gnomAD v4.1: 2 of 1,613,234 alleles (0.00012%); highest among the groups gnomAD compares: Non-Finnish European, 0.000085%; no homozygotes.

Submissions (2):

Labcorp Genetics (formerly Invitae), Labcorp
Classification: Uncertain significance. Last evaluated: 2025-08-06. Review status: criteria provided, single submitter. Criteria: Invitae Variant Classification Sherloc (09022015). Collection method: clinical testing. Allele origin: germline.
Comment: This sequence change replaces asparagine, which is neutral and polar, with lysine, which is basic and polar, at codon 1516 of the SAMD9L protein (p.Asn1516Lys). This variant is not present in population databases (gnomAD no frequency). This variant has not been reported in the literature in individuals affected with SAMD9L-related conditions. ClinVar contains an entry for this variant (Variation ID: 3437228). Invitae Evidence Modeling of protein sequence and biophysical properties (such as structural, functional, and spatial information, amino acid conservation, physicochemical variation, residue mobility, and thermodynamic stability) indicates that this missense variant is not expected to disrupt SAMD9L protein function with a negative predictive value of 80%. In summary, the available evidence is currently insufficient to determine the role of this variant in disease. Therefore, it has been classified as a Variant of Uncertain Significance.

Ambry Genetics
Classification: Likely benign for Inborn genetic diseases. Last evaluated: 2024-12-06. Review status: criteria provided, single submitter. Criteria: Ambry Variant Classification Scheme 2023. Collection method: clinical testing. Allele origin: germline.

NM_152703.5(SAMD9L):c.4548T>A (p.Asn1516Lys)

Gene: SAMD9L (sterile alpha motif domain containing 9 like; minus strand). Cytogenetic location: 7q21.2.
Variant type: single nucleotide variant.
Coding change: c.4548T>A on transcript NM_152703.5 (MANE Select); coding-DNA position 4548, T replaced by A.
Protein change: p.Asn1516Lys; replaces asparagine 1516 with lysine.
Molecular consequence: missense variant.
Genome position (GRCh38, 1-based): chr7:93,131,424, A>T on the plus strand (T>A on the coding strand, the complement: SAMD9L is on the minus strand). VCF-style: chr7-93131424-A-T. GRCh37 (hg19) VCF-style: chr7-92760737-A-T.
Other names: c.4548T>A, p.Asn1516Lys (NM_001303496.3, NM_001303497.3, NM_001303498.3 and 5 more transcripts); short protein forms N1516K.
Identifiers: ClinVar variation 3437228 (VCV003437228.2).